The following is an entry in ClinVar:

ClinVar aggregate classification (germline): Uncertain significance (1 of 4 stars; one submission).

Conditions:
Primary ciliary dyskinesia. Also called: Ciliary dyskinesia. Identifiers: Orphanet 244, MedGen C0008780, MONDO:0016575, HP:0012265.

Submission:

Labcorp Genetics (formerly Invitae), Labcorp
Classification: Uncertain significance for Primary ciliary dyskinesia. Last evaluated: 2022-07-05. Review status: criteria provided, single submitter. Criteria: Invitae Variant Classification Sherloc (09022015). Collection method: clinical testing. Allele origin: germline.
Comment: This variant, c.1258_1335del, results in the deletion of 26 amino acid(s) of the DNAAF1 protein (p.Thr420_Glu445del), but otherwise preserves the integrity of the reading frame. This variant is not present in population databases (gnomAD no frequency). This variant has not been reported in the literature in individuals affected with DNAAF1-related conditions. Experimental studies and prediction algorithms are not available or were not evaluated, and the functional significance of this variant is currently unknown. In summary, the available evidence is currently insufficient to determine the role of this variant in disease. Therefore, it has been classified as a Variant of Uncertain Significance.

NM_178452.6(DNAAF1):c.1258_1335del (p.Thr420_Glu445del)

Gene: DNAAF1 (dynein axonemal assembly factor 1; plus strand). Cytogenetic location: 16q24.1.
Variant type: Deletion.
Coding change: c.1258_1335del on transcript NM_178452.6 (MANE Select); coding-DNA positions 1258 to 1335, 78 bases deleted.
Protein change: p.Thr420_Glu445del.
Molecular consequence: inframe deletion.
Genome position (GRCh38, 1-based): chr16:84,170,086-84,170,163, 78 bases deleted. GRCh37 (hg19): chr16:84,203,692-84,203,769.
Other names: c.550_627del, p.Thr184_Glu209del (NM_001318756.1).
Identifiers: ClinVar variation 410284 (VCV000410284.2), dbSNP rs1555525141, ClinGen allele CA8202797.